The following is an entry in ClinVar:

NM_001330360.2(POLA1):c.1012G>A (p.Val338Ile)

Gene: POLA1 (DNA polymerase alpha 1, catalytic subunit; plus strand). Cytogenetic location: Xp22.11.
Variant type: single nucleotide variant.
Coding change: c.1012G>A on transcript NM_001330360.2 (MANE Select); coding-DNA position 1012, G replaced by A.
Protein change: p.Val338Ile; replaces valine 338 with isoleucine.
Molecular consequence: missense variant. On other transcripts: non-coding transcript variant (2).
Genome position (GRCh38, 1-based): chrX:24,717,683, G>A. VCF-style: chrX-24717683-G-A. GRCh37 (hg19) VCF-style: chrX-24735800-G-A.
Other names: c.994G>A (NM_016937.3); c.1012G>A, p.Val338Ile (NM_001378303.1); c.994G>A, p.Val332Ile (NM_016937.4); short protein forms V332I, V338I.
Identifiers: ClinVar variation 1089410 (VCV001089410.12), dbSNP rs139566864, ClinGen allele CA10372891.

ClinVar aggregate classification (germline): Likely benign. Review status: criteria provided, multiple submitters, no conflicts (2 of 4 stars). 4 submissions from 4 submitters: Likely benign (4). Last evaluated 2026-03-14.

Conditions:
Inborn genetic diseases. Identifiers: MedGen C0950123, MeSH D030342.
POLA1-related disorder. Also called: POLA1-related condition.

Allele frequency attached by ClinVar (database versions not stated): gnomAD exomes 0.00006 and 0.00016; ExAC 0.00019; ESP Exome Variant Server 0.00057; gnomAD 0.00063 and 0.00070; TOPMed 0.00075.
gnomAD v4.1: 142 of 1,204,681 alleles (0.012%); highest among the groups gnomAD compares: African/African-American, 0.22%; no homozygotes.

Submissions (4):

PreventionGenetics, part of Exact Sciences
Classification: Likely benign for POLA1-related condition. Last evaluated: 2026-03-14. Review status: criteria provided, single submitter. Criteria: ACMG Guidelines, 2015. Collection method: clinical testing. Allele origin: germline.
Comment: This variant is classified as likely benign based on ACMG/AMP sequence variant interpretation guidelines (Richards et al. 2015 PMID: 25741868, with internal and published modifications).

Women's Health and Genetics/Laboratory Corporation of America, LabCorp
Classification: Likely benign. Last evaluated: 2026-02-12. Review status: criteria provided, single submitter. Criteria: LabCorp Variant Classification Summary - May 2015. Collection method: clinical testing. Allele origin: germline.
Comment: Variant summary: POLA1 c.994G>A (p.Val332Ile) results in a conservative amino acid change in the encoded protein sequence. Algorithms developed to predict the effect of missense changes on protein structure and function are either unavailable or do not agree on the potential impact of this missense change. The variant allele was found at a frequency of 0.00016 in 182971 control chromosomes, predominantly at a frequency of 0.002 within the African or African-American subpopulation in the gnomAD database, including 9 hemizygotes. The observed variant frequency within African or African-American control individuals in the gnomAD database exceeds the estimated maximal expected allele frequency for disease-causing variants in POLA1. To our knowledge, no occurrence of c.994G>A in individuals affected with POLA1-related conditions and no experimental evidence demonstrating its impact on protein function have been reported. ClinVar contains an entry for this variant (Variation ID: 1089410). Based on the evidence outlined above, the variant was classified as likely benign.

Labcorp Genetics (formerly Invitae), Labcorp
Classification: Likely benign. Last evaluated: 2025-11-13. Review status: criteria provided, single submitter. Criteria: Invitae Variant Classification Sherloc (09022015). Collection method: clinical testing. Allele origin: germline.

Ambry Genetics
Classification: Likely benign for Inborn genetic diseases. Last evaluated: 2021-12-03. Review status: criteria provided, single submitter. Criteria: Ambry Variant Classification Scheme 2023. Collection method: clinical testing. Allele origin: germline.